The following is an entry in ClinVar:

ClinVar aggregate classification (germline): Uncertain significance (1 of 4 stars; one submission).

Conditions:
Schuurs-Hoeijmakers syndrome. Also called: PACS1-Related Neurodevelopmental Disorder. Identifiers: Orphanet 329224, MedGen C3554343, MONDO:0014006, OMIM 615009.

Allele frequency attached by ClinVar (database versions not stated): gnomAD exomes below 0.00001.
gnomAD v4.1: 1 of 1,613,786 alleles (0.000062%); highest among the groups gnomAD compares: Admixed American, 0.0017%; no homozygotes.

Submission:

Labcorp Genetics (formerly Invitae), Labcorp
Classification: Uncertain significance for Schuurs-Hoeijmakers syndrome. Last evaluated: 2024-04-22. Review status: criteria provided, single submitter. Criteria: Invitae Variant Classification Sherloc (09022015). Collection method: clinical testing. Allele origin: germline.
Comment: This sequence change replaces alanine, which is neutral and non-polar, with valine, which is neutral and non-polar, at codon 628 of the PACS1 protein (p.Ala628Val). This variant is present in population databases (no rsID available, gnomAD 0.006%). This variant has not been reported in the literature in individuals affected with PACS1-related conditions. Advanced modeling of protein sequence and biophysical properties (such as structural, functional, and spatial information, amino acid conservation, physicochemical variation, residue mobility, and thermodynamic stability) performed at Invitae indicates that this missense variant is not expected to disrupt PACS1 protein function with a negative predictive value of 80%. In summary, the available evidence is currently insufficient to determine the role of this variant in disease. Therefore, it has been classified as a Variant of Uncertain Significance.

NM_018026.4(PACS1):c.1883C>T (p.Ala628Val)

Gene: PACS1 (phosphofurin acidic cluster sorting protein 1; plus strand). Cytogenetic location: 11q13.2.
Variant type: single nucleotide variant.
Coding change: c.1883C>T on transcript NM_018026.4 (MANE Select); coding-DNA position 1883, C replaced by T.
Protein change: p.Ala628Val; replaces alanine 628 with valine.
Molecular consequence: missense variant.
Genome position (GRCh38, 1-based): chr11:66,233,829, C>T. VCF-style: chr11-66233829-C-T. GRCh37 (hg19) VCF-style: chr11-66001300-C-T.
Other names: short protein forms A628V.
Identifiers: ClinVar variation 2776708 (VCV002776708.3), dbSNP rs1216701521, ClinGen allele CA381372165.
Genomic context (GRCh38, chr11:66,233,829, plus strand): 5'-TCCCCTTCCTCCCCAGCTGCAACTGCAACTCTTCCATGCCGAGGCCAGTGAAGGTGGCTG[C>T]TGTGGGAGGCCAGAGCTACCTGAGCTCCATCCTCAGGTTCTTTGTCAAGTCCCTGGCCAA-3'
Protein context (NP_060496.2, residues 618-638): SSMPRPVKVA[Ala628Val]VGGQSYLSSI